The following is an entry in ClinVar:

ClinVar aggregate classification (germline): Uncertain significance (1 of 4 stars; one submission).

Submission:

Labcorp Genetics (formerly Invitae), Labcorp
Classification: Uncertain significance. Last evaluated: 2022-07-23. Review status: criteria provided, single submitter. Criteria: Invitae Variant Classification Sherloc (09022015). Collection method: clinical testing. Allele origin: germline.
Comment: This sequence change replaces phenylalanine, which is neutral and non-polar, with leucine, which is neutral and non-polar, at codon 573 of the NUP85 protein (p.Phe573Leu). In summary, the available evidence is currently insufficient to determine the role of this variant in disease. Therefore, it has been classified as a Variant of Uncertain Significance. Algorithms developed to predict the effect of missense changes on protein structure and function are either unavailable or do not agree on the potential impact of this missense change (SIFT: "Tolerated"; PolyPhen-2: "Possibly Damaging"; Align-GVGD: "Class C0"). This variant has not been reported in the literature in individuals affected with NUP85-related conditions. This variant is not present in population databases (gnomAD no frequency).

NM_024844.5(NUP85):c.1719C>G (p.Phe573Leu)

Gene: NUP85 (nucleoporin 85; plus strand). Cytogenetic location: 17q25.1.
Variant type: single nucleotide variant.
Coding change: c.1719C>G on transcript NM_024844.5 (MANE Select); coding-DNA position 1719, C replaced by G.
Protein change: p.Phe573Leu; replaces phenylalanine 573 with leucine.
Molecular consequence: missense variant.
Genome position (GRCh38, 1-based): chr17:75,234,740, C>G. VCF-style: chr17-75234740-C-G. GRCh37 (hg19) VCF-style: chr17-73230835-C-G.
Other names: c.1581C>G, p.Phe527Leu (NM_001303276.2); c.1584C>G, p.Phe528Leu (NM_001330472.2); short protein forms F528L, F573L, F527L.
Identifiers: ClinVar variation 1985761 (VCV001985761.4), dbSNP rs779241237, ClinGen allele CA400990796.